The following is an entry in ClinVar:

ClinVar aggregate classification (germline): Pathogenic (1 of 4 stars; one submission).

Conditions:
Primary ciliary dyskinesia 3. Identifiers: Orphanet 244, MedGen C1837618, MONDO:0012085, OMIM 608644.

Submission:

Myriad Genetics, Inc.
Classification: Pathogenic for Primary ciliary dyskinesia 3. Last evaluated: 2023-08-29. Review status: criteria provided, single submitter. Criteria: Myriad Autosomal Dominant, Autosomal Recessive and X-Linked Classification Criteria (2023). Collection method: clinical testing. Allele origin: unknown.
Comment: NM_001369.2(DNAH5):c.11806del1ins9(K3936Qfs*9) is expected to be pathogenic in the context of primary ciliary dyskinesia, DNAH5-related. This variant is predicted to lead to an abnormal or absent protein product due to the creation of a premature termination codon in DNAH5, a gene where loss-of-function variants are known to be pathogenic. Please note: this variant was assessed in the context of healthy population screening.

NM_001369.3(DNAH5):c.11806delinsCAAGAACAG (p.Lys3936fs)

Gene: DNAH5 (dynein axonemal heavy chain 5; minus strand). Cytogenetic location: 5p15.2.
Variant type: Indel.
Coding change: c.11806delinsCAAGAACAG on transcript NM_001369.3 (MANE Select); coding-DNA position 11806, A replaced by CAAGAACAG.
Protein change: p.Lys3936fs; shifts the reading frame from lysine 3936.
Molecular consequence: frameshift variant.
Genome position (GRCh38, 1-based): chr5:13,729,516, T replaced by CTGTTCTTG on the plus strand (A replaced by CAAGAACAG on the coding strand, the reverse complement: DNAH5 is on the minus strand). VCF-style: chr5-13729516-T-CTGTTCTTG. GRCh37 (hg19) VCF-style: chr5-13729625-T-CTGTTCTTG.
Other names: short protein forms K3936fs.
Identifiers: ClinVar variation 5011487 (VCV005011487.1).